The following is an entry in ClinVar:

NM_007294.4(BRCA1):c.5562G>T (p.Leu1854=)

Gene: BRCA1 (BRCA1 DNA repair associated; minus strand). Cytogenetic location: 17q21.31.
Variant type: single nucleotide variant.
Coding change: c.5562G>T on transcript NM_007294.4 (MANE Select); coding-DNA position 5562, G replaced by T.
Protein change: p.Leu1854=; no amino-acid change (leucine 1854 retained).
Molecular consequence: synonymous variant. On other transcripts: 3 prime UTR variant (17).
Genome position (GRCh38, 1-based): chr17:43,045,708, C>A on the plus strand (G>T on the coding strand, the complement: BRCA1 is on the minus strand). VCF-style: chr17-43045708-C-A. GRCh37 (hg19) VCF-style: chr17-41197725-C-A.
Other names: c.5349G>T, p.Leu1783= (NM_001407571.1, NM_001407894.1, NM_001407895.1 and 12 more transcripts); c.5628G>T, p.Leu1876= (NM_001407581.1, NM_001407582.1); c.5625G>T, p.Leu1875= (NM_001407583.1, NM_001407585.1, NM_001407587.1 and 1 more transcripts); c.5622G>T, p.Leu1874= (NM_001407590.1, NM_001407591.1); c.5562G>T, p.Leu1854= (NM_001407593.1, NM_001407594.1, NM_001407596.1 and 5 more transcripts); c.5559G>T, p.Leu1853= (NM_001407610.1, NM_001407611.1, NM_001407612.1 and 14 more transcripts); c.5556G>T, p.Leu1852= (NM_001407627.1, NM_001407628.1, NM_001407629.1 and 13 more transcripts); c.5553G>T, p.Leu1851= (NM_001407644.1, NM_001407645.1); and 74 more.
Identifiers: ClinVar variation 868675 (VCV000868675.3), dbSNP rs786201648, ClinGen allele CA500142879.

Conditions:
Breast-ovarian cancer, familial, susceptibility to, 1 (BROVCA1). Also called: BRCA1 Hereditary Breast and Ovarian Cancer; OVARIAN CANCER, SUSCEPTIBILITY TO. Identifiers: Orphanet 145, MedGen C2676676, MONDO:0011450, OMIM 604370. Disease mechanism: loss of function.

Submission:

Brotman Baty Institute, University of Washington
No classification provided (evidence only). Condition: Breast-ovarian cancer, familial 1. Review status: no classification provided. Collection method: in vitro. Allele origin: not applicable. Functional consequence: functionally_normal.
ClinVar note: "not provided" was previously submitted as the classification for the variant. However, the classification appeared to be based only on an observation of functional data so it was converted to no classification on 2025-07-30.